The following is an entry in ClinVar:

ClinVar aggregate classification (germline): Uncertain significance. Review status: criteria provided, multiple submitters, no conflicts (2 of 4 stars). 2 submissions from 2 submitters: Uncertain significance (2). Last evaluated 2025-03-10.

Allele frequency attached by ClinVar (database versions not stated): gnomAD 0.00001; TOPMed 0.00001; ExAC 0.00002.
gnomAD v4.1: 16 of 1,614,094 alleles (0.00099%); highest among the groups gnomAD compares: South Asian, 0.0055%; no homozygotes.

Submissions (2):

Labcorp Genetics (formerly Invitae), Labcorp
Classification: Uncertain significance. Last evaluated: 2025-03-10. Review status: criteria provided, single submitter. Criteria: Invitae Variant Classification Sherloc (09022015). Collection method: clinical testing. Allele origin: germline.
Comment: This sequence change replaces cysteine, which is neutral and slightly polar, with serine, which is neutral and polar, at codon 320 of the RNF31 protein (p.Cys320Ser). This variant is present in population databases (rs776073217, gnomAD 0.006%). This variant has not been reported in the literature in individuals affected with RNF31-related conditions. ClinVar contains an entry for this variant (Variation ID: 1910674). An algorithm developed to predict the effect of missense changes on protein structure and function (PolyPhen-2) suggests that this variant is likely to be disruptive. In summary, the available evidence is currently insufficient to determine the role of this variant in disease. Therefore, it has been classified as a Variant of Uncertain Significance.

Blueprint Genetics
Classification: Uncertain significance. Last evaluated: 2024-09-14. Review status: criteria provided, single submitter. Criteria: ACMG Guidelines, 2015. Collection method: clinical testing. Allele origin: germline.

NM_017999.5(RNF31):c.959G>C (p.Cys320Ser)

Gene: RNF31 (ring finger protein 31; plus strand). Cytogenetic location: 14q12.
Variant type: single nucleotide variant.
Coding change: c.959G>C on transcript NM_017999.5 (MANE Select); coding-DNA position 959, G replaced by C.
Protein change: p.Cys320Ser; replaces cysteine 320 with serine.
Molecular consequence: missense variant.
Genome position (GRCh38, 1-based): chr14:24,150,210, G>C. VCF-style: chr14-24150210-G-C. GRCh37 (hg19) VCF-style: chr14-24619419-G-C.
Other names: c.506G>C, p.Cys169Ser (NM_001310332.2); short protein forms C169S, C320S.
Identifiers: ClinVar variation 1910674 (VCV001910674.6), dbSNP rs776073217, ClinGen allele CA7125668.
Genomic context (GRCh38, chr14:24,150,210, plus strand): 5'-CTCATTTGCCCTGGCACTGTGCTGCCTGTGCCATGCTAAATGAGCCTTGGGCAGTGCTCT[G>C]TGTGGCCTGTGATCGGCCCCGAGGCTGTAAGGGGTTGGGGTTGGGAACTGAGGGTCCCCA-3'
Protein context (NP_060469.4, residues 310-330): AMLNEPWAVL[Cys320Ser]VACDRPRGCK